The following is an entry in ClinVar:

ClinVar aggregate classification (germline): Uncertain significance (1 of 4 stars; one submission).

Allele frequency attached by ClinVar (database versions not stated): TOPMed below 0.00001; ExAC 0.00001; gnomAD 0.00001.
gnomAD v4.1: 5 of 1,604,682 alleles (0.00031%); highest among the groups gnomAD compares: Non-Finnish European, 0.00043%; no homozygotes.

Submission:

Labcorp Genetics (formerly Invitae), Labcorp
Classification: Uncertain significance. Last evaluated: 2022-07-06. Review status: criteria provided, single submitter. Criteria: Invitae Variant Classification Sherloc (09022015). Collection method: clinical testing. Allele origin: germline.
Comment: Algorithms developed to predict the effect of sequence changes on RNA splicing suggest that this variant may create or strengthen a splice site. In summary, the available evidence is currently insufficient to determine the role of this variant in disease. Therefore, it has been classified as a Variant of Uncertain Significance. This sequence change replaces aspartic acid, which is acidic and polar, with valine, which is neutral and non-polar, at codon 963 of the POLR3A protein (p.Asp963Val). This variant is present in population databases (rs761205136, gnomAD 0.002%). This variant has not been reported in the literature in individuals affected with POLR3A-related conditions. ClinVar contains an entry for this variant (Variation ID: 1354884). Algorithms developed to predict the effect of missense changes on protein structure and function are either unavailable or do not agree on the potential impact of this missense change (SIFT: "Deleterious"; PolyPhen-2: "Benign"; Align-GVGD: "Class C0").

NM_007055.4(POLR3A):c.2888A>T (p.Asp963Val)

Gene: POLR3A (RNA polymerase III subunit A; minus strand). Cytogenetic location: 10q22.3.
Variant type: single nucleotide variant.
Coding change: c.2888A>T on transcript NM_007055.4 (MANE Select); coding-DNA position 2888, A replaced by T.
Protein change: p.Asp963Val; replaces aspartic acid 963 with valine.
Molecular consequence: missense variant.
Genome position (GRCh38, 1-based): chr10:77,991,067, T>A on the plus strand (A>T on the coding strand, the complement: POLR3A is on the minus strand). VCF-style: chr10-77991067-T-A. GRCh37 (hg19) VCF-style: chr10-79750825-T-A.
Other names: short protein forms D963V.
Identifiers: ClinVar variation 1354884 (VCV001354884.8), dbSNP rs761205136, ClinGen allele CA5571005.